The following is an entry in ClinVar:

NM_019074.4(DLL4):c.1326C>T (p.Ser442=)

Gene: DLL4 (delta like canonical Notch ligand 4; plus strand). Cytogenetic location: 15q15.1.
Variant type: single nucleotide variant.
Coding change: c.1326C>T on transcript NM_019074.4 (MANE Select); coding-DNA position 1326, C replaced by T.
Protein change: p.Ser442=; no amino-acid change (serine 442 retained).
Molecular consequence: synonymous variant.
Genome position (GRCh38, 1-based): chr15:40,936,313, C>T. VCF-style: chr15-40936313-C-T. GRCh37 (hg19) VCF-style: chr15-41228511-C-T.
Other names: c.1326C>T (NM_019074.3).
Identifiers: ClinVar variation 1623765 (VCV001623765.9), dbSNP rs750346321, ClinGen allele CA7487914.

ClinVar aggregate classification (germline): Likely benign. Review status: criteria provided, multiple submitters, no conflicts (2 of 4 stars). 2 submissions from 2 submitters: Likely benign (2). Last evaluated 2026-09-06.

Conditions:
DLL4-related disorder. Also called: DLL4-related condition.

Allele frequency attached by ClinVar (database versions not stated): gnomAD exomes 0.00003; TOPMed 0.00004; gnomAD 0.00005 and 0.00006; ExAC 0.00006.
gnomAD v4.1: 52 of 1,608,804 alleles (0.0032%); highest among the groups gnomAD compares: Middle Eastern, 0.016%; no homozygotes.

Submissions (2):

PreventionGenetics, part of Exact Sciences
Classification: Likely benign for DLL4-related condition. Last evaluated: 2026-09-06. Review status: criteria provided, single submitter. Criteria: ACMG Guidelines, 2015. Collection method: clinical testing. Allele origin: germline.
Comment: This variant is classified as likely benign based on ACMG/AMP sequence variant interpretation guidelines (Richards et al. 2015 PMID: 25741868, with internal and published modifications).

Labcorp Genetics (formerly Invitae), Labcorp
Classification: Likely benign. Last evaluated: 2025-08-15. Review status: criteria provided, single submitter. Criteria: Invitae Variant Classification Sherloc (09022015). Collection method: clinical testing. Allele origin: germline.